The following is an entry in ClinVar:

NM_000038.6(APC):c.5156A>G (p.Glu1719Gly)

Gene: APC (APC regulator of Wnt signaling pathway; plus strand). Cytogenetic location: 5q22.2.
Variant type: single nucleotide variant.
Coding change: c.5156A>G on transcript NM_000038.6 (MANE Select); coding-DNA position 5156, A replaced by G.
Protein change: p.Glu1719Gly; replaces glutamic acid 1719 with glycine.
Molecular consequence: missense variant.
Genome position (GRCh38, 1-based): chr5:112,840,750, A>G. VCF-style: chr5-112840750-A-G. GRCh37 (hg19) VCF-style: chr5-112176447-A-G.
Other names: c.5156A>G, p.Glu1719Gly (NM_001127510.3, NM_001354895.2); c.5102A>G, p.Glu1701Gly (NM_001127511.3); c.5210A>G, p.Glu1737Gly (NM_001354896.2); c.5186A>G, p.Glu1729Gly (NM_001354897.2); c.5081A>G, p.Glu1694Gly (NM_001354898.2); c.5072A>G, p.Glu1691Gly (NM_001354899.2); c.5033A>G, p.Glu1678Gly (NM_001354900.2); c.4979A>G, p.Glu1660Gly (NM_001354901.2); and 5 more; short protein forms E1628G, E1559G, E1618G, E1691G, E1694G, E1729G, E1737G, E1436G.
Identifiers: ClinVar variation 848081 (VCV000848081.13), dbSNP rs1561598041, ClinGen allele CA16032601.

ClinVar aggregate classification (germline): Uncertain significance. Review status: criteria provided, multiple submitters, no conflicts (2 of 4 stars). 2 submissions from 2 submitters: Uncertain significance (2). Last evaluated 2024-03-06.

Conditions:
Familial adenomatous polyposis 1 (FAP1). Also called: FAMILIAL ADENOMATOUS POLYPOSIS 1, ATTENUATED; POLYPOSIS, ADENOMATOUS INTESTINAL. Identifiers: MedGen C2713442, MONDO:0021056, OMIM 175100. Disease mechanism: loss of function.
Hereditary cancer-predisposing syndrome. Also called: Tumor predisposition; Hereditary neoplastic syndrome; Neoplastic Syndromes, Hereditary; Hereditary Cancer Syndrome. Identifiers: Orphanet 140162, MedGen C0027672, MeSH D009386, MONDO:0015356.

Submissions (2):

Color Diagnostics, LLC DBA Color Health
Classification: Uncertain significance for Hereditary cancer-predisposing syndrome. Last evaluated: 2024-03-06. Review status: criteria provided, single submitter. Criteria: ACMG Guidelines, 2015. Collection method: clinical testing. Allele origin: germline.
Comment: This missense variant replaces glutamic acid with glycine at codon 1719 of the APC protein. Computational prediction is inconclusive regarding the impact of this variant on protein structure and function (internally defined REVEL score threshold 0.5 < inconclusive < 0.7, PMID: 27666373). Splice site prediction tools suggest that this variant may not impact RNA splicing. To our knowledge, functional studies have not been performed for this variant. This variant has not been reported in individuals affected with hereditary cancer in the literature. This variant has not been identified in the general population by the Genome Aggregation Database (gnomAD). The available evidence is insufficient to determine the role of this variant in disease conclusively. Therefore, this variant is classified as a Variant of Uncertain Significance.

Labcorp Genetics (formerly Invitae), Labcorp
Classification: Uncertain significance for Familial adenomatous polyposis 1. Last evaluated: 2021-11-14. Review status: criteria provided, single submitter. Criteria: Invitae Variant Classification Sherloc (09022015). Collection method: clinical testing. Allele origin: germline.
Comment: In summary, the available evidence is currently insufficient to determine the role of this variant in disease. Therefore, it has been classified as a Variant of Uncertain Significance. Algorithms developed to predict the effect of missense changes on protein structure and function are either unavailable or do not agree on the potential impact of this missense change (SIFT: "Tolerated"; PolyPhen-2: "Probably Damaging"; Align-GVGD: "Class C15"). ClinVar contains an entry for this variant (Variation ID: 848081). This variant has not been reported in the literature in individuals affected with APC-related conditions. This variant is not present in population databases (gnomAD no frequency). This sequence change replaces glutamic acid, which is acidic and polar, with glycine, which is neutral and non-polar, at codon 1719 of the APC protein (p.Glu1719Gly).